The following is an entry in ClinVar:

ClinVar aggregate classification (germline): Uncertain significance. Review status: criteria provided, multiple submitters, no conflicts (2 of 4 stars). 2 submissions from 2 submitters: Uncertain significance (2). Last evaluated 2023-09-10.

Conditions:
Intellectual developmental disorder, autosomal dominant 1. Also called: MBD5 Haploinsufficiency; Intellectual disability, autosomal dominant 1. Identifiers: Orphanet 228402, MedGen C1969562, MONDO:0007974, OMIM 156200.

Submissions (2):

Labcorp Genetics (formerly Invitae), Labcorp
Classification: Uncertain significance for Intellectual developmental disorder, autosomal dominant 1. Last evaluated: 2023-09-10. Review status: criteria provided, single submitter. Criteria: Invitae Variant Classification Sherloc (09022015). Collection method: clinical testing. Allele origin: germline.
Comment: This variant has not been reported in the literature in individuals affected with MBD5-related conditions. In summary, the available evidence is currently insufficient to determine the role of this variant in disease. Therefore, it has been classified as a Variant of Uncertain Significance. Advanced modeling of protein sequence and biophysical properties (such as structural, functional, and spatial information, amino acid conservation, physicochemical variation, residue mobility, and thermodynamic stability) performed at Invitae indicates that this missense variant is not expected to disrupt MBD5 protein function. ClinVar contains an entry for this variant (Variation ID: 1314244). This variant is not present in population databases (gnomAD no frequency). This sequence change replaces glycine, which is neutral and non-polar, with glutamic acid, which is acidic and polar, at codon 843 of the MBD5 protein (p.Gly843Glu).

GeneDx
Classification: Uncertain significance. Last evaluated: 2021-03-29. Review status: criteria provided, single submitter. Criteria: GeneDx Variant Classification Process June 2021. Collection method: clinical testing. Allele origin: germline. Affected: yes.
Comment: Not observed in large population cohorts (Lek et al., 2016); In silico analysis supports that this missense variant does not alter protein structure/function; Has not been previously published as pathogenic or benign to our knowledge

NM_001378120.1(MBD5):c.2528G>A (p.Gly843Glu)

Gene: MBD5 (methyl-CpG binding domain protein 5; plus strand). Cytogenetic location: 2q23.1.
Variant type: single nucleotide variant.
Coding change: c.2528G>A on transcript NM_001378120.1 (MANE Select); coding-DNA position 2528, G replaced by A.
Protein change: p.Gly843Glu; replaces glycine 843 with glutamic acid.
Molecular consequence: missense variant.
Genome position (GRCh38, 1-based): chr2:148,483,119, G>A. VCF-style: chr2-148483119-G-A. GRCh37 (hg19) VCF-style: chr2-149240688-G-A.
Other names: c.2528G>A, p.Gly843Glu (NM_018328.5); short protein forms G843E.
Identifiers: ClinVar variation 1314244 (VCV001314244.5), dbSNP rs2105071391, ClinGen allele CA348722155.